The following is an entry in ClinVar:

ClinVar aggregate classification (germline): Uncertain significance. Review status: criteria provided, single submitter (1 of 4 stars). 2 submissions from 2 submitters: Uncertain significance (1). 1 of the submissions does not count toward it. Last evaluated 2023-12-04.

Conditions:
Dyskeratosis congenita, autosomal dominant 1 (DKCA1). Also called: Dyskeratosis congenita Scoggins type. Identifiers: Orphanet 1775, MedGen C4551974, MONDO:0007485, OMIM 127550. Inheritance: Variable.

Allele frequency attached by ClinVar (database versions not stated): TOPMed below 0.00001; gnomAD exomes 0.00001 and below 0.00001; ExAC 0.00002.
gnomAD v4.1: 3 of 758,842 alleles (0.0004%); highest among the groups gnomAD compares: Non-Finnish European, 0.00072%; no homozygotes.

Submissions (2):

Labcorp Genetics (formerly Invitae), Labcorp
Classification: Uncertain significance for Dyskeratosis congenita, autosomal dominant 1. Last evaluated: 2023-12-04. Review status: criteria provided, single submitter. Criteria: Invitae Variant Classification Sherloc (09022015). Collection method: clinical testing. Allele origin: germline.
Comment: This variant occurs in the TERC gene, which encodes an RNA molecule that does not result in a protein product. The frequency data for this variant in the population databases is considered unreliable, as metrics indicate poor data quality at this position in the gnomAD database. This variant has not been reported in the literature in individuals affected with TERC-related conditions. ClinVar contains an entry for this variant (Variation ID: 465763). This variant is located within the template/pseudoknot domain of the TERC RNA component, which is required for RNA or RNP stability (PMID: 15082312, 21844345). This variant is located in a region of TERC in which a significant number of disease causing variants have been reported (PMID: 15082312, 21844345, 21931702). These observations suggest that this may be a clinically significant region. In summary, the available evidence is currently insufficient to determine the role of this variant in disease. Therefore, it has been classified as a Variant of Uncertain Significance.

Genetic Services Laboratory, University of Chicago
Classification: Uncertain significance. Last evaluated: 2022-12-12. Review status: no assertion criteria provided. Collection method: clinical testing. Allele origin: germline. Affected: no. Not counted in ClinVar's aggregate classification.
Comment: DNA sequence analysis of the TERC gene demonstrated a sequence change in exon 1, n.191C>T. This change does not appear to have been previously described in individuals with TERC-related disorders. This sequence change has been described in the gnomAD database in one individual which corresponds to a population frequency of 0.00046% (dbSNP rs756967332). This sequence change affects a poorly conserved nucleotide located in a domain that is not known to be functional. The functional significance of this sequence change is not known at present and its contribution to this individual's disease phenotype cannot definitively be determined.

Literature cited by the submitters: PubMed 15082312 (cited by Labcorp Genetics (formerly Invitae), Labcorp); PubMed 21844345 (cited by Labcorp Genetics (formerly Invitae), Labcorp); PubMed 21931702 (cited by Labcorp Genetics (formerly Invitae), Labcorp).

NR_001566.3(TERC):n.191C>T

Genes: TERC (telomerase RNA component; minus strand), LOC110806306 (telomerase RNA component (TERC) promoter; plus strand). Cytogenetic location: 3q26.2.
Variant type: single nucleotide variant.
Genome position: GRCh38 VCF-style: chr3-169764870-G-A. GRCh37 (hg19) VCF-style: chr3-169482658-G-A.
Identifiers: ClinVar variation 465763 (VCV000465763.10), dbSNP rs756967332, ClinGen allele CA2696812.